The following is an entry in ClinVar:

ClinVar aggregate classification (germline): Likely benign. Review status: criteria provided, multiple submitters, no conflicts (2 of 4 stars). 5 submissions from 5 submitters: Likely benign (4). 1 of the submissions does not count toward it. Last evaluated 2026-03-01.

Conditions:
ZNF644-related disorder. Also called: ZNF644-related condition.

Allele frequency attached by ClinVar (database versions not stated): 1000 Genomes Project 30x 0.00078; 1000 Genomes Project 0.00100; TOPMed 0.00267; gnomAD 0.00329 and 0.00334; gnomAD exomes 0.00364 and 0.00421; ExAC 0.00390; ESP Exome Variant Server 0.00408.
gnomAD v4.1: 6,649 of 1,614,010 alleles (0.41%); highest among the groups gnomAD compares: Non-Finnish European, 0.46%; 21 homozygotes.

Submissions (5):

CeGaT Center for Human Genetics Tuebingen
Classification: Likely benign. Last evaluated: 2026-03-01. Review status: criteria provided, single submitter. Criteria: CeGaT Center For Human Genetics Tuebingen Variant Classification Criteria Version 2. Collection method: clinical testing. Allele origin: germline. Affected: yes. Observed: 2 variant alleles.
Comment: ZNF644: BP4, BS2

Blueprint Genetics
Classification: Likely benign. Last evaluated: 2024-11-25. Review status: criteria provided, single submitter. Criteria: ACMG Guidelines, 2015. Collection method: clinical testing. Allele origin: germline.

Labcorp Genetics (formerly Invitae), Labcorp
Classification: Likely benign. Last evaluated: 2018-05-16. Review status: criteria provided, single submitter. Criteria: Invitae Variant Classification Sherloc (09022015). Collection method: clinical testing. Allele origin: germline.

Breakthrough Genomics
Classification: Likely benign. Review status: criteria provided, single submitter. Criteria: ACMG Guidelines, 2015. Collection method: not provided. Allele origin: germline. Inheritance: Autosomal dominant inheritance. Affected: yes.

PreventionGenetics, part of Exact Sciences
Classification: Benign for ZNF644-related condition. Last evaluated: 2019-06-12. Review status: no assertion criteria provided. Collection method: clinical testing. Allele origin: germline. Not counted in ClinVar's aggregate classification.
Comment: This variant is classified as benign based on ACMG/AMP sequence variant interpretation guidelines (Richards et al. 2015 PMID: 25741868, with internal and published modifications).

NM_201269.3(ZNF644):c.2119A>G (p.Lys707Glu)

Gene: ZNF644 (zinc finger protein 644; minus strand). Cytogenetic location: 1p22.2.
Variant type: single nucleotide variant.
Coding change: c.2119A>G on transcript NM_201269.3 (MANE Select); coding-DNA position 2119, A replaced by G.
Protein change: p.Lys707Glu; replaces lysine 707 with glutamic acid.
Molecular consequence: missense variant. On other transcripts: intron variant (2).
Genome position (GRCh38, 1-based): chr1:90,939,235, T>C on the plus strand (A>G on the coding strand, the complement: ZNF644 is on the minus strand). VCF-style: chr1-90939235-T-C. GRCh37 (hg19) VCF-style: chr1-91404792-T-C.
Other names: c.23-21081A>G (NM_032186.5, NM_016620.4); short protein forms K707E.
Identifiers: ClinVar variation 789149 (VCV000789149.15), dbSNP rs12117237, ClinGen allele CA945009.